The following is an entry in ClinVar:

ClinVar aggregate classification (germline): Pathogenic. Review status: criteria provided, multiple submitters, no conflicts (2 of 4 stars). 2 submissions from 2 submitters: Pathogenic (2). Last evaluated 2025-04-02.

Conditions:
Hereditary cancer-predisposing syndrome. Also called: Neoplastic Syndromes, Hereditary; Tumor predisposition; Hereditary Cancer Syndrome; Hereditary neoplastic syndrome. Identifiers: Orphanet 140162, MedGen C0027672, MeSH D009386, MONDO:0015356.

Submissions (3):

Molecular Diagnostics Laboratory, Catalan Institute of Oncology
Classification: Pathogenic for Hereditary cancer-predisposing syndrome. Last evaluated: 2025-04-02. Review status: criteria provided, single submitter. Criteria: ClinGen BRCA1BRCA2 ACMG Specifications BRCA1 V1.0.0. Collection method: clinical testing. Allele origin: germline.
Comment: PS1, PS3, PM2_Supporting, PP3 c.5467G>T, located in the last nucleotide of BRCA1 exon 22 (23 according BIC nomenclature), is predicted to alter splicing according SpliceAI, probably causing the skipping of such exon and resulting in loss of function by premature protein truncation before codon 1854 (r.5407_5467del; p.Gly1803Glnfs*11) (PP3). It is not present in the population database gnomAD v2.1.1, non cancer dataset (PM2_supporting). This variant has the same predicted impact on splicing, according to SpliceAI, as an another variant at the same nucleotide position (c.5467G>A) previously classified as pathogenic (PS1). Moreover, BRCA1 c.5467G>T was reported by one calibrated study incorporating mRNA splicing effects to affect function similar to pathogenic control variants (PMID: 30209399) (PS3). To our knowledge, no relevant clinical data have been reported for this variant. In addition, it was also identified in the following databases: BRCA Exchange (Not Yet Reviewed), ClinVar (1x pathogenic, 1x not provided) and LOVD (1x NA). Based on the currently available information, c.5467G>T is classified as a pathogenic variant according to ClinGen-BRCA1 Guidelines version v1.0.0.

Ambry Genetics
Classification: Pathogenic for Hereditary cancer-predisposing syndrome. Last evaluated: 2021-04-01. Review status: criteria provided, single submitter. Criteria: Ambry Variant Classification Scheme 2023. Collection method: clinical testing. Allele origin: germline.
Comment: The p.A1823S pathogenic mutation (also known as c.5467G>T), located in coding exon 21 of the BRCA1 gene, results from a G to T substitution at nucleotide position 5467. The amino acid change results in alanine to serine at codon 1823, an amino acid with similar properties. However, this change occurs in the last base pair of coding exon 21, which makes it likely to have some effect on normal mRNA splicing. One functional study found that this nucleotide substitution is deleterious in a high throughput genome editing haploid cell survival assay and indicated to have an RNA defect (Findlay GM et al. Nature. 2018 10;562:217-222). This nucleotide position is highly conserved in available vertebrate species. In silico splice site analysis predicts that this alteration will weaken the native splice donor site. RNA studies have demonstrated that this alteration results in abnormal splicing in the set of samples tested (Ambry internal data). Based on the supporting evidence, this alteration is interpreted as a disease-causing mutation.

Brotman Baty Institute, University of Washington
No classification provided (evidence only). Condition: Breast-ovarian cancer, familial 1. Review status: no classification provided. Collection method: in vitro. Allele origin: not applicable. Functional consequence: functionally_abnormal. Not counted in ClinVar's aggregate classification.
ClinVar note: "not provided" was previously submitted as the classification for the variant. However, the classification appeared to be based only on an observation of functional data so it was converted to no classification on 2025-07-30.

Literature cited by the submitters: PubMed 30209399 (cited by Ambry Genetics).

NM_007294.4(BRCA1):c.5467G>T (p.Ala1823Ser)

Gene: BRCA1 (BRCA1 DNA repair associated; minus strand). Cytogenetic location: 17q21.31.
Variant type: single nucleotide variant.
Coding change: c.5467G>T on transcript NM_007294.4 (MANE Select); coding-DNA position 5467, G replaced by T.
Protein change: p.Ala1823Ser; replaces alanine 1823 with serine.
Molecular consequence: missense variant. On other transcripts: non-coding transcript variant (1).
Genome position (GRCh38, 1-based): chr17:43,047,643, C>A on the plus strand (G>T on the coding strand, the complement: BRCA1 is on the minus strand). VCF-style: chr17-43047643-C-A. GRCh37 (hg19) VCF-style: chr17-41199660-C-A.
Other names: c.5257G>T, p.Ala1753Ser (NM_001407884.1, NM_001407885.1, NM_001407886.1 and 5 more transcripts); c.5254G>T, p.Ala1752Ser (NM_001407907.1, NM_001407908.1, NM_001407909.1 and 12 more transcripts); c.5251G>T, p.Ala1751Ser (NM_001407915.1, NM_001407916.1, NM_001407917.1 and 1 more transcripts); c.5215G>T, p.Ala1739Ser (NM_001407919.1); c.5200G>T, p.Ala1734Ser (NM_001407930.1, NM_001407931.1, NM_001407932.1 and 4 more transcripts); c.5197G>T, p.Ala1733Ser (NM_001407934.1, NM_001407935.1, NM_001407936.1); c.5270G>T, p.Cys1757Phe (NM_001407937.1, NM_001407938.1); c.5134G>T, p.Ala1712Ser (NM_001407949.1, NM_001407946.1, NM_001407947.1 and 1 more transcripts); and 83 more; short protein forms A1844S, A1823S, A719S, A1776S, C694F, A1669S, A1695S, A1774S.
Identifiers: ClinVar variation 868922 (VCV000868922.6), dbSNP rs80357212, ClinGen allele CA10590416.